The following is an entry in ClinVar:

ClinVar aggregate classification (germline): Pathogenic (1 of 4 stars; one submission).

Conditions:
Carnitine palmitoyltransferase II deficiency. Also called: Carnitine Palmitoyltransferase 2 Deficiency. Identifiers: Orphanet 157, MedGen C0342790, MONDO:0015515.

Submission:

Labcorp Genetics (formerly Invitae), Labcorp
Classification: Pathogenic for Carnitine palmitoyltransferase II deficiency. Last evaluated: 2019-08-20. Review status: criteria provided, single submitter. Criteria: Invitae Variant Classification Sherloc (09022015). Collection method: clinical testing. Allele origin: germline.
Comment: For these reasons, this variant has been classified as Pathogenic. Loss-of-function variants in CPT2 are known to be pathogenic (PMID: 16781677, 16996287). This variant has not been reported in the literature in individuals with CPT2-related conditions. This variant is not present in population databases (ExAC no frequency). This sequence change creates a premature translational stop signal (p.Leu415Glnfs*6) in the CPT2 gene. It is expected to result in an absent or disrupted protein product.

Literature cited by the submitters: PubMed 16781677; PubMed 16996287.

NM_000098.3(CPT2):c.1244_1245del (p.Leu415fs)

Gene: CPT2 (carnitine palmitoyltransferase 2; plus strand). Cytogenetic location: 1p32.3.
Variant type: Deletion.
Coding change: c.1244_1245del on transcript NM_000098.3 (MANE Select); coding-DNA positions 1244 to 1245, 2 bases deleted (TC; older notation c.1244_1245delTC).
Protein change: p.Leu415fs; shifts the reading frame from leucine 415.
Molecular consequence: frameshift variant.
Genome position (GRCh38, 1-based): chr1:53,210,918-53,210,919, TC deleted; deleting any 2 consecutive bases within chr1:53,210,917-53,210,919 gives the same sequence; the c. name uses the placement nearest the transcript's 3' end. VCF-style (leftmost placement, unchanged base first): chr1-53210916-ACT-A. GRCh37 (hg19) VCF-style: chr1-53676588-ACT-A.
Other names: c.1244_1245del, p.Leu415fs (NM_001330589.2); short protein forms L415fs.
Identifiers: ClinVar variation 955252 (VCV000955252.7), dbSNP rs1645421667, ClinGen allele CA1139656149.